The following is an entry in ClinVar:

ClinVar aggregate classification (germline): Conflicting classifications of pathogenicity. Review status: criteria provided, conflicting classifications (1 of 4 stars). 4 submissions from 4 submitters: Uncertain significance (1); Likely benign (2). 1 of the submissions does not count toward it. Last evaluated 2026-01-09.

Conditions:
ALG12-related disorder. Also called: ALG12-related condition.
ALG12-congenital disorder of glycosylation (CDG1G). Also called: Congenital disorder of glycosylation, type Ig; CDG Ig; ALG12-CDG. Identifiers: Orphanet 79324, MedGen C2931001, MONDO:0011783, OMIM 607143.

Allele frequency attached by ClinVar (database versions not stated): ExAC 0.00012; ESP Exome Variant Server 0.00015; gnomAD 0.00019 and 0.00023; TOPMed 0.00037.
gnomAD v4.1: 449 of 1,614,072 alleles (0.028%); highest among the groups gnomAD compares: Non-Finnish European, 0.035%; no homozygotes.

Submissions (4):

Labcorp Genetics (formerly Invitae), Labcorp
Classification: Likely benign for ALG12-congenital disorder of glycosylation. Last evaluated: 2026-01-09. Review status: criteria provided, single submitter. Criteria: Invitae Variant Classification Sherloc (09022015). Collection method: clinical testing. Allele origin: germline.

CeGaT Center for Human Genetics Tuebingen
Classification: Likely benign. Last evaluated: 2025-06-01. Review status: criteria provided, single submitter. Criteria: CeGaT Center For Human Genetics Tuebingen Variant Classification Criteria Version 2. Collection method: clinical testing. Allele origin: germline. Affected: yes. Observed: 1 variant allele.
Comment: ALG12: BP4, BP7

Illumina Laboratory Services, Illumina
Classification: Uncertain significance for ALG12-congenital disorder of glycosylation. Last evaluated: 2018-01-13. Review status: criteria provided, single submitter. Criteria: ICSL Variant Classification Criteria 13 December 2019. Collection method: clinical testing. Allele origin: germline.

PreventionGenetics, part of Exact Sciences
Classification: Likely benign for ALG12-related condition. Last evaluated: 2019-12-03. Review status: no assertion criteria provided. Collection method: clinical testing. Allele origin: germline. Not counted in ClinVar's aggregate classification.
Comment: This variant is classified as likely benign based on ACMG/AMP sequence variant interpretation guidelines (Richards et al. 2015 PMID: 25741868, with internal and published modifications).

NM_024105.4(ALG12):c.1152C>G (p.Pro384=)

Gene: ALG12 (ALG12 alpha-1,6-mannosyltransferase; minus strand). Cytogenetic location: 22q13.33.
Variant type: single nucleotide variant.
Coding change: c.1152C>G on transcript NM_024105.4 (MANE Select); coding-DNA position 1152, C replaced by G.
Protein change: p.Pro384=; no amino-acid change (proline 384 retained).
Molecular consequence: synonymous variant.
Genome position (GRCh38, 1-based): chr22:49,904,347, G>C on the plus strand (C>G on the coding strand, the complement: ALG12 is on the minus strand). VCF-style: chr22-49904347-G-C. GRCh37 (hg19) VCF-style: chr22-50297995-G-C.
Identifiers: ClinVar variation 342044 (VCV000342044.24), dbSNP rs375721419, ClinGen allele CA10300333.